The following is an entry in ClinVar:

NM_005458.8(GABBR2):c.83T>A (p.Leu28Gln)

Gene: GABBR2 (gamma-aminobutyric acid type B receptor subunit 2; minus strand). Cytogenetic location: 9q22.33.
Variant type: single nucleotide variant.
Coding change: c.83T>A on transcript NM_005458.8 (MANE Select); coding-DNA position 83, T replaced by A.
Protein change: p.Leu28Gln; replaces leucine 28 with glutamine.
Molecular consequence: missense variant.
Genome position (GRCh38, 1-based): chr9:98,708,655, A>T on the plus strand (T>A on the coding strand, the complement: GABBR2 is on the minus strand). VCF-style: chr9-98708655-A-T. GRCh37 (hg19) VCF-style: chr9-101470937-A-T.
Other names: short protein forms L28Q.
Identifiers: ClinVar variation 1878863 (VCV001878863.1), dbSNP rs2490288647, ClinGen allele CA374212876.

ClinVar aggregate classification (germline): Uncertain significance (1 of 4 stars; one submission).

Submission:

GeneDx
Classification: Uncertain significance. Last evaluated: 2022-07-13. Review status: criteria provided, single submitter. Criteria: GeneDx Variant Classification Process June 2021. Collection method: clinical testing. Allele origin: germline. Affected: yes.
Comment: Not observed at significant frequency in large population cohorts (gnomAD); In silico analysis supports that this missense variant does not alter protein structure/function; Has not been previously published as pathogenic or benign to our knowledge